The following is an entry in ClinVar:

ClinVar aggregate classification (germline): Pathogenic/Likely pathogenic. Review status: criteria provided, multiple submitters, no conflicts (2 of 4 stars). 2 submissions from 2 submitters: Pathogenic (1); Likely pathogenic (1). Last evaluated 2025-09-10.

Conditions:
Hereditary cancer-predisposing syndrome. Also called: Hereditary Cancer Syndrome; Neoplastic Syndromes, Hereditary; Tumor predisposition; Hereditary neoplastic syndrome. Identifiers: Orphanet 140162, MedGen C0027672, MeSH D009386, MONDO:0015356.

Submissions (2):

Ambry Genetics
Classification: Pathogenic for Hereditary cancer-predisposing syndrome. Last evaluated: 2025-09-10. Review status: criteria provided, single submitter. Criteria: Ambry Variant Classification Scheme 2023. Collection method: clinical testing. Allele origin: germline.
Comment: The c.3070_3071delAT pathogenic mutation, located in coding exon 10 of the BRCA2 gene, results from a deletion of two nucleotides at nucleotide positions 3070 to 3071, causing a translational frameshift with a predicted alternate stop codon (p.I1024*). This variant is considered to be rare based on population cohorts in the Genome Aggregation Database (gnomAD). This alteration is expected to result in loss of function by premature protein truncation or nonsense-mediated mRNA decay. As such, this alteration is interpreted as a disease-causing mutation.

Revvity Omics, Revvity
Classification: Likely pathogenic. Last evaluated: 2022-09-01. Review status: criteria provided, single submitter. Criteria: ACMG Guidelines, 2015. Collection method: clinical testing. Allele origin: germline.

NM_000059.4(BRCA2):c.3070_3071del (p.Asn1023_Ile1024insTer)

Gene: BRCA2 (BRCA2 DNA repair associated; plus strand). Cytogenetic location: 13q13.1.
Variant type: Deletion.
Coding change: c.3070_3071del on transcript NM_000059.4 (MANE Select); coding-DNA positions 3070 to 3071, 2 bases deleted (AT; older notation c.3070_3071delAT).
Protein change: p.Asn1023_Ile1024insTer.
Molecular consequence: nonsense.
Genome position (GRCh38, 1-based): chr13:32,337,425-32,337,426, AT deleted. VCF-style (leftmost placement, unchanged base first): chr13-32337424-CAT-C. GRCh37 (hg19) VCF-style: chr13-32911561-CAT-C.
Other names: c.3070_3071del (NM_000059.3); c.3070_3071delAT (NM_000059.3).
Identifiers: ClinVar variation 2438756 (VCV002438756.4), dbSNP rs2548525163, ClinGen allele CA658761193.